The following is an entry in ClinVar:

NM_004092.4(ECHS1):c.62G>C (p.Cys21Ser)

Genes: ECHS1 (enoyl-CoA hydratase, short chain 1; minus strand), LOC130005023 (ATAC-STARR-seq lymphoblastoid silent region 2977; plus strand). Cytogenetic location: 10q26.3.
Variant type: single nucleotide variant.
Coding change: c.62G>C on transcript NM_004092.4 (MANE Select); coding-DNA position 62, G replaced by C.
Protein change: p.Cys21Ser; replaces cysteine 21 with serine.
Molecular consequence: missense variant.
Genome position (GRCh38, 1-based): chr10:133,373,272, C>G on the plus strand (G>C on the coding strand, the complement: ECHS1 is on the minus strand). VCF-style: chr10-133373272-C-G. GRCh37 (hg19) VCF-style: chr10-135186776-C-G.
Other names: short protein forms C21S.
Identifiers: ClinVar variation 1389349 (VCV001389349.8), dbSNP rs1436440154, ClinGen allele CA378824462.

ClinVar aggregate classification (germline): Uncertain significance. Review status: criteria provided, multiple submitters, no conflicts (2 of 4 stars). 2 submissions from 2 submitters: Uncertain significance (2). Last evaluated 2023-03-27.

Conditions:
Mitochondrial short-chain Enoyl-Coa hydratase 1 deficiency. Also called: Mitochondrial Short-Chain Enoyl-CoA Hydratase Deficiency; ECHS1 deficiency; PxMD-ECHS1. Identifiers: Orphanet 255241, Orphanet 653880, MedGen C4225391, MONDO:0014563, OMIM 616277.

Allele frequency attached by ClinVar (database versions not stated): gnomAD exomes below 0.00001.
gnomAD v4.1: 1 of 1,462,894 alleles (0.000068%); highest among the groups gnomAD compares: Non-Finnish European, 0.00009%; no homozygotes.

Submissions (2):

Revvity Omics, Revvity
Classification: Uncertain significance for Mitochondrial short-chain Enoyl-Coa hydratase 1 deficiency. Last evaluated: 2023-03-27. Review status: criteria provided, single submitter. Criteria: ACMG Guidelines, 2015. Collection method: clinical testing. Allele origin: germline.

Labcorp Genetics (formerly Invitae), Labcorp
Classification: Uncertain significance. Last evaluated: 2022-11-22. Review status: criteria provided, single submitter. Criteria: Invitae Variant Classification Sherloc (09022015). Collection method: clinical testing. Allele origin: germline.
Comment: Advanced modeling of protein sequence and biophysical properties (such as structural, functional, and spatial information, amino acid conservation, physicochemical variation, residue mobility, and thermodynamic stability) performed at Invitae indicates that this missense variant is not expected to disrupt ECHS1 protein function. ClinVar contains an entry for this variant (Variation ID: 1389349). This variant has not been reported in the literature in individuals affected with ECHS1-related conditions. The frequency data for this variant in the population databases is considered unreliable, as metrics indicate poor data quality at this position in the gnomAD database. This sequence change replaces cysteine, which is neutral and slightly polar, with serine, which is neutral and polar, at codon 21 of the ECHS1 protein (p.Cys21Ser). In summary, the available evidence is currently insufficient to determine the role of this variant in disease. Therefore, it has been classified as a Variant of Uncertain Significance.